The following is an entry in ClinVar:

NM_000465.4(BARD1):c.1836T>G (p.Asp612Glu)

Gene: BARD1 (BRCA1 associated RING domain 1; minus strand). Cytogenetic location: 2q35.
Variant type: single nucleotide variant.
Coding change: c.1836T>G on transcript NM_000465.4 (MANE Select); coding-DNA position 1836, T replaced by G.
Protein change: p.Asp612Glu; replaces aspartic acid 612 with glutamic acid.
Molecular consequence: missense variant. On other transcripts: non-coding transcript variant (3), intron variant (1).
Genome position (GRCh38, 1-based): chr2:214,745,134, A>C on the plus strand (T>G on the coding strand, the complement: BARD1 is on the minus strand). VCF-style: chr2-214745134-A-C. GRCh37 (hg19) VCF-style: chr2-215609858-A-C.
Other names: c.1779T>G, p.Asp593Glu (NM_001282543.2); c.483T>G, p.Asp161Glu (NM_001282545.2); c.426T>G, p.Asp142Glu (NM_001282548.2); c.365-14626T>G (NM_001282549.2); short protein forms D142E, D161E, D593E, D612E.
Identifiers: ClinVar variation 1719782 (VCV001719782.5), dbSNP rs1375291069, ClinGen allele CA350452265.

ClinVar aggregate classification (germline): Uncertain significance (1 of 4 stars; one submission).

Conditions:
Familial cancer of breast. Also called: BREAST CANCER, FAMILIAL; hereditary breast carcinoma; Hereditary breast cancer. Identifiers: Orphanet 227535, MedGen C0346153, MONDO:0016419, OMIM 114480. Disease mechanism: loss of function.

Submission:

Labcorp Genetics (formerly Invitae), Labcorp
Classification: Uncertain significance for Familial cancer of breast. Last evaluated: 2022-09-19. Review status: criteria provided, single submitter. Criteria: Invitae Variant Classification Sherloc (09022015). Collection method: clinical testing. Allele origin: germline.
Comment: This sequence change replaces aspartic acid, which is acidic and polar, with glutamic acid, which is acidic and polar, at codon 612 of the BARD1 protein (p.Asp612Glu). This variant is not present in population databases (gnomAD no frequency). This variant has not been reported in the literature in individuals affected with BARD1-related conditions. Algorithms developed to predict the effect of missense changes on protein structure and function output the following: SIFT: "Tolerated"; PolyPhen-2: "Benign"; Align-GVGD: "Class C0". The glutamic acid amino acid residue is found in multiple mammalian species, which suggests that this missense change does not adversely affect protein function. Algorithms developed to predict the effect of sequence changes on RNA splicing suggest that this variant may disrupt the consensus splice site. In summary, the available evidence is currently insufficient to determine the role of this variant in disease. Therefore, it has been classified as a Variant of Uncertain Significance.